The following is an entry in ClinVar:

ClinVar aggregate classification (germline): Uncertain significance (1 of 4 stars; one submission).

Conditions:
Inborn genetic diseases. Identifiers: MedGen C0950123, MeSH D030342.

Submission:

Ambry Genetics
Classification: Uncertain significance for Inborn genetic diseases. Last evaluated: 2024-11-06. Review status: criteria provided, single submitter. Criteria: Ambry Variant Classification Scheme 2023. Collection method: clinical testing. Allele origin: germline.
Comment: The p.L174S variant (also known as c.521T>C), located in coding exon 3 of the CAV1 gene, results from a T to C substitution at nucleotide position 521. The leucine at codon 174 is replaced by serine, an amino acid with dissimilar properties. This amino acid position is conserved. In addition, this alteration is predicted to be tolerated by in silico analysis. Based on the available evidence, the clinical significance of this variant remains unclear.

NM_001753.5(CAV1):c.521T>C (p.Leu174Ser)

Gene: CAV1 (caveolin 1; plus strand). Cytogenetic location: 7q31.2.
Variant type: single nucleotide variant.
Coding change: c.521T>C on transcript NM_001753.5 (MANE Select); coding-DNA position 521, T replaced by C.
Protein change: p.Leu174Ser; replaces leucine 174 with serine.
Molecular consequence: missense variant.
Genome position (GRCh38, 1-based): chr7:116,559,271, T>C. VCF-style: chr7-116559271-T-C. GRCh37 (hg19) VCF-style: chr7-116199325-T-C.
Other names: c.428T>C, p.Leu143Ser (NM_001172895.1, NM_001172896.2, NM_001172897.2); short protein forms L143S, L174S.
Identifiers: ClinVar variation 3485517 (VCV003485517.1).